The following is an entry in ClinVar:

ClinVar aggregate classification (germline): Uncertain significance (1 of 4 stars; one submission).

gnomAD v4.1: 1 of 1,211,465 alleles (0.000083%); highest among the groups gnomAD compares: Non-Finnish European, 0.00011%; no homozygotes.

Submission:

Labcorp Genetics (formerly Invitae), Labcorp
Classification: Uncertain significance. Last evaluated: 2025-02-21. Review status: criteria provided, single submitter. Criteria: Invitae Variant Classification Sherloc (09022015). Collection method: clinical testing. Allele origin: germline.
Comment: This sequence change replaces valine, which is neutral and non-polar, with glycine, which is neutral and non-polar, at codon 442 of the AMER1 protein (p.Val442Gly). This variant is not present in population databases (gnomAD no frequency). This variant has not been reported in the literature in individuals affected with AMER1-related conditions. An algorithm developed to predict the effect of missense changes on protein structure and function outputs the following: PolyPhen-2: "Benign". The glycine amino acid residue is found in multiple mammalian species, which suggests that this missense change does not adversely affect protein function. Algorithms developed to predict the effect of sequence changes on RNA splicing suggest that this variant may create or strengthen a splice site. In summary, the available evidence is currently insufficient to determine the role of this variant in disease. Therefore, it has been classified as a Variant of Uncertain Significance.

NM_152424.4(AMER1):c.1325T>G (p.Val442Gly)

Gene: AMER1 (APC membrane recruitment protein 1; minus strand). Cytogenetic location: Xq11.2.
Variant type: single nucleotide variant.
Coding change: c.1325T>G on transcript NM_152424.4 (MANE Select); coding-DNA position 1325, T replaced by G.
Protein change: p.Val442Gly; replaces valine 442 with glycine.
Molecular consequence: missense variant.
Genome position (GRCh38, 1-based): chrX:64,191,962, A>C on the plus strand (T>G on the coding strand, the complement: AMER1 is on the minus strand). VCF-style: chrX-64191962-A-C. GRCh37 (hg19) VCF-style: chrX-63411842-A-C.
Other names: short protein forms V442G.
Identifiers: ClinVar variation 4759631 (VCV004759631.1).